The following is an entry in ClinVar:

NM_032444.4(SLX4):c.950+29C>T

Gene: SLX4 (SLX4 structure-specific endonuclease subunit; minus strand). Cytogenetic location: 16p13.3.
Variant type: single nucleotide variant.
Coding change: c.950+29C>T on transcript NM_032444.4 (MANE Select); 29 bases into the intron after coding-DNA position 950, C replaced by T.
Molecular consequence: intron variant.
Genome position (GRCh38, 1-based): chr16:3,602,089, G>A on the plus strand (C>T on the coding strand, the complement: SLX4 is on the minus strand). VCF-style: chr16-3602089-G-A. GRCh37 (hg19) VCF-style: chr16-3652090-G-A.
Identifiers: ClinVar variation 929594 (VCV000929594.1), dbSNP rs757789193, ClinGen allele CA1139664455.

ClinVar aggregate classification (germline): Likely benign (0 of 4 stars; one submission).

Submission:

Leiden Open Variation Database
Classification: Likely benign. Last evaluated: 2012-08-31. Review status: no assertion criteria provided. Collection method: curation. Allele origin: germline. Affected: yes.
Comment: Curator: Arleen D. Auerbach. Submitter to LOVD: Janine Bakker.

Literature cited by the submitters: PubMed 22911665.